The following is an entry in ClinVar:

ClinVar aggregate classification (germline): Pathogenic. Review status: reviewed by expert panel (3 of 4 stars). 4 submissions from 4 submitters: Pathogenic (1). 3 of the submissions do not count toward it. Last evaluated 2017-12-15.

Conditions:
Hereditary cancer-predisposing syndrome. Also called: Tumor predisposition; Neoplastic Syndromes, Hereditary; Hereditary Cancer Syndrome; Hereditary neoplastic syndrome. Identifiers: Orphanet 140162, MedGen C0027672, MeSH D009386, MONDO:0015356.
Hereditary breast ovarian cancer syndrome. Also called: Hereditary breast and ovarian cancer syndrome (HBOC); Hereditary breast and ovarian cancer syndrome; Hereditary breast and ovarian cancer; Hereditary breast and/or ovarian cancer syndrome; Breast and ovarian cancer; BRCA1- and BRCA2-Associated Hereditary Breast and Ovarian Cancer. Identifiers: Orphanet 145, MedGen C0677776, MeSH D061325, MONDO:0003582. Disease mechanism: loss of function.
Breast-ovarian cancer, familial, susceptibility to, 1 (BROVCA1). Also called: OVARIAN CANCER, SUSCEPTIBILITY TO; BRCA1 Hereditary Breast and Ovarian Cancer. Identifiers: Orphanet 145, MedGen C2676676, MONDO:0011450, OMIM 604370. Disease mechanism: loss of function.
Familial cancer of breast. Also called: Hereditary breast cancer; hereditary breast carcinoma; BREAST CANCER, FAMILIAL. Identifiers: Orphanet 227535, MedGen C0346153, MONDO:0016419, OMIM 114480. Disease mechanism: loss of function.

Submissions (4):

Evidence-based Network for the Interpretation of Germline Mutant Alleles (ENIGMA)
Classification: Pathogenic for Breast-ovarian cancer, familial, susceptibility to, 1. Last evaluated: 2017-12-15. Review status: reviewed by expert panel. Criteria: ENIGMA BRCA1/2 Classification Criteria (2017-06-29). Collection method: curation. Allele origin: germline. Study: ENIGMA.
Comment: Variant allele predicted to encode a truncated non-functional protein.

Ambry Genetics
Classification: Pathogenic for Hereditary cancer-predisposing syndrome. Last evaluated: 2025-07-15. Review status: criteria provided, single submitter. Criteria: Ambry Variant Classification Scheme 2023. Collection method: clinical testing. Allele origin: germline. Not counted in ClinVar's aggregate classification.
Comment: The c.1159dupT pathogenic mutation, located in coding exon 9 of the BRCA1 gene, results from a duplication of T at nucleotide position 1159, causing a translational frameshift with a predicted alternate stop codon (p.S387Ffs*4). This variant is considered to be rare based on population cohorts in the Genome Aggregation Database (gnomAD). This alteration is expected to result in loss of function by premature protein truncation or nonsense-mediated mRNA decay. As such, this alteration is interpreted as a disease-causing mutation.

Labcorp Genetics (formerly Invitae), Labcorp
Classification: Pathogenic for Hereditary breast ovarian cancer syndrome. Last evaluated: 2022-12-07. Review status: criteria provided, single submitter. Criteria: Invitae Variant Classification Sherloc (09022015). Collection method: clinical testing. Allele origin: germline. Not counted in ClinVar's aggregate classification.
Comment: This sequence change creates a premature translational stop signal (p.Ser387Phefs*4) in the BRCA1 gene. It is expected to result in an absent or disrupted protein product. Loss-of-function variants in BRCA1 are known to be pathogenic (PMID: 20104584). This variant is not present in population databases (gnomAD no frequency). This premature translational stop signal has been observed in individual(s) with ovarian cancer (PMID: 10634513). This variant is also known as 1275insT. ClinVar contains an entry for this variant (Variation ID: 54150). For these reasons, this variant has been classified as Pathogenic.

ClinVar Staff, National Center for Biotechnology Information (NCBI)
No classification provided. Condition: Familial cancer of breast. Review status: no classification provided. Collection method: literature only. Allele origin: germline. Affected: yes. Not counted in ClinVar's aggregate classification.

Literature cited by the submitters: PubMed 20104584 (cited by Labcorp Genetics (formerly Invitae), Labcorp); PubMed 10634513 (cited by Labcorp Genetics (formerly Invitae), Labcorp and ClinVar Staff, National Center for Biotechnology Information (NCBI)).

NM_007294.4(BRCA1):c.1159dup (p.Ser387fs)

Gene: BRCA1 (BRCA1 DNA repair associated; minus strand). Cytogenetic location: 17q21.31.
Variant type: Duplication.
Coding change: c.1159dup on transcript NM_007294.4 (MANE Select); coding-DNA position 1159, one base duplicated (T; older notation c.1159dupT).
Protein change: p.Ser387fs; shifts the reading frame from serine 387.
Molecular consequence: frameshift variant. On other transcripts: intron variant (137).
Genome position (GRCh38, 1-based): chr17:43,094,372, A duplicated on the plus strand (T on the coding strand, the reverse complement: BRCA1 is on the minus strand); the first of 4 consecutive A bases (chr17:43,094,372-43,094,375); duplicating any one gives the same sequence. VCF-style (leftmost placement, unchanged base first): chr17-43094371-G-GA. GRCh37 (hg19) VCF-style: chr17-41246388-G-GA.
Other names: c.1159dupT (NM_007294.3); c.784+372dup (NM_001408398.1, NM_001407992.1, NM_001408400.1 and 13 more transcripts); c.664+372dup (NM_001408440.1, NM_001408428.1, NM_001408441.1 and 12 more transcripts); c.670+1474dup (NM_001408418.1, NM_001408423.1, NM_001408420.1 and 2 more transcripts); c.787+372dup (NM_001407981.1, NM_007298.4, NM_001407978.1 and 19 more transcripts); c.643+372dup (NM_001408462.1, NM_001408470.1, NM_001408464.1 and 3 more transcripts); c.709+372dup (NM_001408414.1, NM_001408411.1, NM_001408415.1 and 2 more transcripts); c.577+372dup (NM_001408514.1, NM_001408485.1, NM_001408483.1 and 9 more transcripts); and 41 more; short protein forms S340fs, S387fs, S384fs, S276fs, S319fs, S339fs, S345fs, S346fs.
Identifiers: ClinVar variation 54150 (VCV000054150.7), dbSNP rs397508842, ClinGen allele CA327722.